The following is an entry in ClinVar:

ClinVar aggregate classification (germline): Conflicting classifications of pathogenicity. Review status: criteria provided, conflicting classifications (1 of 4 stars). 3 submissions from 3 submitters: Uncertain significance (2); Likely benign (1). Last evaluated 2023-07-19.

Conditions:
CDON-related disorder. Also called: CDON-related condition.
Inborn genetic diseases. Identifiers: MedGen C0950123, MeSH D030342.
Holoprosencephaly 11 (HPE11). Identifiers: Orphanet 2162, MedGen C3280215, MONDO:0013642, OMIM 614226.

Allele frequency attached by ClinVar (database versions not stated): ExAC 0.00001; gnomAD 0.00001; gnomAD exomes 0.00001; TOPMed 0.00002.

Submissions (3):

Ambry Genetics
Classification: Likely benign for Inborn genetic diseases. Last evaluated: 2023-07-19. Review status: criteria provided, single submitter. Criteria: Ambry Variant Classification Scheme 2023. Collection method: clinical testing. Allele origin: germline.

PreventionGenetics, part of Exact Sciences
Classification: Uncertain significance for CDON-related condition. Last evaluated: 2023-06-05. Review status: criteria provided, single submitter. Criteria: ACMG Guidelines, 2015. Collection method: clinical testing. Allele origin: germline.
Comment: The CDON c.3560G>A variant is predicted to result in the amino acid substitution p.Arg1187His. To our knowledge, this variant has not been reported in the literature. This variant is reported in 0.0029% of alleles in individuals of Latino descent in gnomAD. At this time, the clinical significance of this variant is uncertain due to the absence of conclusive functional and genetic evidence.

Labcorp Genetics (formerly Invitae), Labcorp
Classification: Uncertain significance for Holoprosencephaly 11. Last evaluated: 2022-07-08. Review status: criteria provided, single submitter. Criteria: Invitae Variant Classification Sherloc (09022015). Collection method: clinical testing. Allele origin: germline.
Comment: This sequence change replaces arginine, which is basic and polar, with histidine, which is basic and polar, at codon 1187 of the CDON protein (p.Arg1187His). This variant is present in population databases (rs771268293, gnomAD 0.003%). This variant has not been reported in the literature in individuals affected with CDON-related conditions. Algorithms developed to predict the effect of missense changes on protein structure and function output the following: SIFT: "Tolerated"; PolyPhen-2: "Benign"; Align-GVGD: "Class C0". The histidine amino acid residue is found in multiple mammalian species, which suggests that this missense change does not adversely affect protein function. In summary, the available evidence is currently insufficient to determine the role of this variant in disease. Therefore, it has been classified as a Variant of Uncertain Significance.

NM_001378964.1(CDON):c.3560G>A (p.Arg1187His)

Gene: CDON (cell adhesion associated, oncogene regulated; minus strand). Cytogenetic location: 11q24.2.
Variant type: single nucleotide variant.
Coding change: c.3560G>A on transcript NM_001378964.1 (MANE Select); coding-DNA position 3560, G replaced by A.
Protein change: p.Arg1187His; replaces arginine 1187 with histidine.
Molecular consequence: missense variant.
Genome position (GRCh38, 1-based): chr11:125,961,795, C>T on the plus strand (G>A on the coding strand, the complement: CDON is on the minus strand). VCF-style: chr11-125961795-C-T. GRCh37 (hg19) VCF-style: chr11-125831690-C-T.
Other names: c.3560G>A, p.Arg1187His (NM_001243597.3, NM_016952.6); short protein forms R1187H.
Identifiers: ClinVar variation 2144121 (VCV002144121.7), dbSNP rs771268293, ClinGen allele CA6351377.